The following is an entry in ClinVar:

ClinVar aggregate classification (germline): Uncertain significance (1 of 4 stars; one submission).

Allele frequency attached by ClinVar (database versions not stated): gnomAD 0.00002; gnomAD exomes 0.00002; TOPMed 0.00002; ExAC 0.00003.
gnomAD v4.1: 33 of 1,613,596 alleles (0.002%); highest among the groups gnomAD compares: Admixed American, 0.03%; no homozygotes.

Submission:

Labcorp Genetics (formerly Invitae), Labcorp
Classification: Uncertain significance. Last evaluated: 2022-05-19. Review status: criteria provided, single submitter. Criteria: Invitae Variant Classification Sherloc (09022015). Collection method: clinical testing. Allele origin: germline.
Comment: This variant has not been reported in the literature in individuals affected with TMPRSS15-related conditions. This sequence change replaces glycine, which is neutral and non-polar, with arginine, which is basic and polar, at codon 736 of the TMPRSS15 protein (p.Gly736Arg). This variant is present in population databases (rs766389999, gnomAD 0.05%). Algorithms developed to predict the effect of missense changes on protein structure and function are either unavailable or do not agree on the potential impact of this missense change (SIFT: "Not Available"; PolyPhen-2: "Probably Damaging"; Align-GVGD: "Not Available"). Algorithms developed to predict the effect of sequence changes on RNA splicing suggest that this variant may create or strengthen a splice site. In summary, the available evidence is currently insufficient to determine the role of this variant in disease. Therefore, it has been classified as a Variant of Uncertain Significance.

NM_002772.3(TMPRSS15):c.2206G>A (p.Gly736Arg)

Gene: TMPRSS15 (transmembrane serine protease 15; minus strand). Cytogenetic location: 21q21.1.
Variant type: single nucleotide variant.
Coding change: c.2206G>A on transcript NM_002772.3 (MANE Select); coding-DNA position 2206, G replaced by A.
Protein change: p.Gly736Arg; replaces glycine 736 with arginine.
Molecular consequence: missense variant.
Genome position (GRCh38, 1-based): chr21:18,297,789, C>T on the plus strand (G>A on the coding strand, the complement: TMPRSS15 is on the minus strand). VCF-style: chr21-18297789-C-T. GRCh37 (hg19) VCF-style: chr21-19670106-C-T.
Other names: short protein forms G736R.
Identifiers: ClinVar variation 2175321 (VCV002175321.2), dbSNP rs766389999, ClinGen allele CA9984158.
Genomic context (GRCh38, chr21:18,297,789, plus strand): 5'-CCCACCTGGGTGTTAGTATTAAGTGGCCATCAGGTGCTGTGTTTAATTTGACAAATGGTC[C>T]ACCATCGGTAGGGAAGATTGGCTTTGATGAGTTTCCACTCCTAGAGAAAAAAGAAAAAAG-3'
Protein context (NP_002763.3, residues 726-746): SSKPIFPTDG[Gly736Arg]PFVKLNTAPD